The following is an entry in ClinVar:

NM_001197104.2(KMT2A):c.10571C>T (p.Ser3524Phe)

Gene: KMT2A (lysine methyltransferase 2A; plus strand). Cytogenetic location: 11q23.3.
Variant type: single nucleotide variant.
Coding change: c.10571C>T on transcript NM_001197104.2 (MANE Select); coding-DNA position 10571, C replaced by T.
Protein change: p.Ser3524Phe; replaces serine 3524 with phenylalanine.
Molecular consequence: missense variant.
Genome position (GRCh38, 1-based): chr11:118,506,463, C>T. VCF-style: chr11-118506463-C-T. GRCh37 (hg19) VCF-style: chr11-118377178-C-T.
Other names: c.10562C>T, p.Ser3521Phe (NM_005933.4); short protein forms S3521F, S3524F.
Identifiers: ClinVar variation 1522664 (VCV001522664.8), dbSNP rs146434158, ClinGen allele CA229530523.

ClinVar aggregate classification (germline): Uncertain significance (1 of 4 stars; one submission).

Allele frequency attached by ClinVar (database versions not stated): gnomAD exomes below 0.00001 and 0.00001; TOPMed below 0.00001; ESP Exome Variant Server 0.00008.

Submission:

Labcorp Genetics (formerly Invitae), Labcorp
Classification: Uncertain significance. Last evaluated: 2024-08-08. Review status: criteria provided, single submitter. Criteria: Invitae Variant Classification Sherloc (09022015). Collection method: clinical testing. Allele origin: germline.
Comment: This sequence change replaces serine, which is neutral and polar, with phenylalanine, which is neutral and non-polar, at codon 3524 of the KMT2A protein (p.Ser3524Phe). This variant is not present in population databases (gnomAD no frequency). This variant has not been reported in the literature in individuals affected with KMT2A-related conditions. ClinVar contains an entry for this variant (Variation ID: 1522664). Advanced modeling of protein sequence and biophysical properties (such as structural, functional, and spatial information, amino acid conservation, physicochemical variation, residue mobility, and thermodynamic stability) performed at Invitae indicates that this missense variant is not expected to disrupt KMT2A protein function with a negative predictive value of 95%. In summary, the available evidence is currently insufficient to determine the role of this variant in disease. Therefore, it has been classified as a Variant of Uncertain Significance.